The following is an entry in ClinVar:

NM_000051.4(ATM):c.3089del (p.Lys1030fs)

Gene: ATM (ATM serine/threonine kinase; plus strand). Cytogenetic location: 11q22.3.
Variant type: Deletion.
Coding change: c.3089del on transcript NM_000051.4 (MANE Select); coding-DNA position 3089, one base deleted (A; older notation c.3089delA).
Protein change: p.Lys1030fs; shifts the reading frame from lysine 1030.
Molecular consequence: frameshift variant.
Genome position (GRCh38, 1-based): chr11:108,272,543, A deleted; the last of 3 consecutive A bases (chr11:108,272,541-108,272,543); deleting any one gives the same sequence. VCF-style (leftmost placement, unchanged base first): chr11-108272540-CA-C. GRCh37 (hg19) VCF-style: chr11-108143267-CA-C.
Other names: c.3089del, p.Lys1030fs (NM_001351834.2); short protein forms K1030fs.
Identifiers: ClinVar variation 4843921 (VCV004843921.1).

ClinVar aggregate classification (germline): Pathogenic (1 of 4 stars; one submission).

Conditions:
Hereditary cancer-predisposing syndrome. Also called: Neoplastic Syndromes, Hereditary; Tumor predisposition; Hereditary Cancer Syndrome; Hereditary neoplastic syndrome. Identifiers: Orphanet 140162, MedGen C0027672, MeSH D009386, MONDO:0015356.

Submission:

Ambry Genetics
Classification: Pathogenic for Hereditary cancer-predisposing syndrome. Last evaluated: 2026-01-02. Review status: criteria provided, single submitter. Criteria: Ambry Variant Classification Scheme 2023. Collection method: clinical testing. Allele origin: germline.
Comment: The c.3089delA pathogenic mutation, located in coding exon 20 of the ATM gene, results from a deletion of one nucleotide at nucleotide position 3089, causing a translational frameshift with a predicted alternate stop codon (p.K1030Rfs*9). This variant is considered to be rare based on population cohorts in the Genome Aggregation Database (gnomAD). This alteration is expected to result in loss of function by premature protein truncation or nonsense-mediated mRNA decay. As such, this alteration is interpreted as a disease-causing mutation.